The following is an entry in ClinVar:

NM_000051.4(ATM):c.4723C>A (p.Arg1575Ser)

Gene: ATM (ATM serine/threonine kinase; plus strand). Cytogenetic location: 11q22.3.
Variant type: single nucleotide variant.
Coding change: c.4723C>A on transcript NM_000051.4 (MANE Select); coding-DNA position 4723, C replaced by A.
Protein change: p.Arg1575Ser; replaces arginine 1575 with serine.
Molecular consequence: missense variant.
Genome position (GRCh38, 1-based): chr11:108,293,424, C>A. VCF-style: chr11-108293424-C-A. GRCh37 (hg19) VCF-style: chr11-108164151-C-A.
Other names: c.4723C>A, p.Arg1575Ser (NM_001351834.2); short protein forms R1575S.
Identifiers: ClinVar variation 659830 (VCV000659830.7), dbSNP rs1408892416, ClinGen allele CA382534970.

ClinVar aggregate classification (germline): Uncertain significance. Review status: criteria provided, multiple submitters, no conflicts (2 of 4 stars). 2 submissions from 2 submitters: Uncertain significance (2). Last evaluated 2025-02-23.

Conditions:
Hereditary cancer-predisposing syndrome. Also called: Neoplastic Syndromes, Hereditary; Hereditary neoplastic syndrome; Hereditary Cancer Syndrome; Tumor predisposition. Identifiers: Orphanet 140162, MedGen C0027672, MeSH D009386, MONDO:0015356.
Ataxia-telangiectasia syndrome (AT). Also called: ATAXIA-TELANGIECTASIA, FRESNO VARIANT; Ataxia-telangiectasia, complementation group D; Cerebello-oculocutaneous telangiectasia; Immunodeficiency with ataxia telangiectasia; Ataxia-telangiectasia; Ataxia telangiectasia (A-T). Identifiers: Orphanet 100, MedGen C0004135, MONDO:0008840, OMIM 208900.

Submissions (2):

Ambry Genetics
Classification: Uncertain significance for Hereditary cancer-predisposing syndrome. Last evaluated: 2025-02-23. Review status: criteria provided, single submitter. Criteria: Ambry Variant Classification Scheme 2023. Collection method: clinical testing. Allele origin: germline.
Comment: The p.R1575S variant (also known as c.4723C>A), located in coding exon 30 of the ATM gene, results from a C to A substitution at nucleotide position 4723. The arginine at codon 1575 is replaced by serine, an amino acid with dissimilar properties. This amino acid position is conserved. In addition, this alteration is predicted to be deleterious by in silico analysis. Based on the available evidence, the clinical significance of this variant remains unclear.

Labcorp Genetics (formerly Invitae), Labcorp
Classification: Uncertain significance for Ataxia-telangiectasia syndrome. Last evaluated: 2022-10-13. Review status: criteria provided, single submitter. Criteria: Invitae Variant Classification Sherloc (09022015). Collection method: clinical testing. Allele origin: germline.
Comment: This sequence change replaces arginine, which is basic and polar, with serine, which is neutral and polar, at codon 1575 of the ATM protein (p.Arg1575Ser). This variant is not present in population databases (gnomAD no frequency). This variant has not been reported in the literature in individuals affected with ATM-related conditions. ClinVar contains an entry for this variant (Variation ID: 659830). Algorithms developed to predict the effect of missense changes on protein structure and function (SIFT, PolyPhen-2, Align-GVGD) all suggest that this variant is likely to be disruptive. In summary, the available evidence is currently insufficient to determine the role of this variant in disease. Therefore, it has been classified as a Variant of Uncertain Significance.